The following is an entry in ClinVar:

NM_001365999.1(SZT2):c.83G>A (p.Arg28Gln)

Gene: SZT2 (SZT2 subunit of KICSTOR complex; plus strand). Cytogenetic location: 1p34.2.
Variant type: single nucleotide variant.
Coding change: c.83G>A on transcript NM_001365999.1 (MANE Select); coding-DNA position 83, G replaced by A.
Protein change: p.Arg28Gln; replaces arginine 28 with glutamine.
Molecular consequence: missense variant.
Genome position (GRCh38, 1-based): chr1:43,403,232, G>A. VCF-style: chr1-43403232-G-A. GRCh37 (hg19) VCF-style: chr1-43868903-G-A.
Other names: c.83G>A, p.Arg28Gln (NM_015284.4); short protein forms R28Q.
Identifiers: ClinVar variation 1304666 (VCV001304666.9), dbSNP rs199859472, ClinGen allele CA808071.

ClinVar aggregate classification (germline): Uncertain significance. Review status: criteria provided, multiple submitters, no conflicts (2 of 4 stars). 3 submissions from 3 submitters: Uncertain significance (3). Last evaluated 2024-11-15.

Conditions:
Developmental and epileptic encephalopathy, 18 (DEE18). Also called: Early infantile epileptic encephalopathy 18. Identifiers: Orphanet 369894, MedGen C3809624, MONDO:0014201, OMIM 615476.

Allele frequency attached by ClinVar (database versions not stated): ExAC 0.00004; gnomAD exomes 0.00004; TOPMed 0.00005; gnomAD 0.00006 and 0.00007; 1000 Genomes Project 30x 0.00016; 1000 Genomes Project 0.00020.
gnomAD v4.1: 76 of 1,614,138 alleles (0.0047%); highest among the groups gnomAD compares: Non-Finnish European, 0.0049%; no homozygotes.

Submissions (3):

Labcorp Genetics (formerly Invitae), Labcorp
Classification: Uncertain significance. Last evaluated: 2024-11-15. Review status: criteria provided, single submitter. Criteria: Invitae Variant Classification Sherloc (09022015). Collection method: clinical testing. Allele origin: germline.
Comment: This sequence change replaces arginine, which is basic and polar, with glutamine, which is neutral and polar, at codon 28 of the SZT2 protein (p.Arg28Gln). This variant is present in population databases (rs199859472, gnomAD 0.02%). This variant has not been reported in the literature in individuals affected with SZT2-related conditions. ClinVar contains an entry for this variant (Variation ID: 1304666). Invitae Evidence Modeling of protein sequence and biophysical properties (such as structural, functional, and spatial information, amino acid conservation, physicochemical variation, residue mobility, and thermodynamic stability) indicates that this missense variant is expected to disrupt SZT2 protein function with a positive predictive value of 80%. In summary, the available evidence is currently insufficient to determine the role of this variant in disease. Therefore, it has been classified as a Variant of Uncertain Significance.

Genome-Nilou Lab
Classification: Uncertain significance for Developmental and epileptic encephalopathy, 18. Last evaluated: 2023-04-11. Review status: criteria provided, single submitter. Criteria: ACMG Guidelines, 2015. Collection method: clinical testing. Allele origin: germline. Affected: no.

GeneDx
Classification: Uncertain significance. Last evaluated: 2019-10-01. Review status: criteria provided, single submitter. Criteria: GeneDx Variant Classification Process June 2021. Collection method: clinical testing. Allele origin: germline. Affected: yes.
Comment: In silico analysis, which includes protein predictors and evolutionary conservation, supports a deleterious effect; Has not been previously published as pathogenic or benign to our knowledge